The following is an entry in ClinVar:

ClinVar aggregate classification (germline): Uncertain significance (1 of 4 stars; one submission).

Conditions:
Spastic paraplegia 84, autosomal recessive (SPG84). Identifiers: Orphanet 631079, MedGen C5562025, MONDO:0030482, OMIM 619621.

Submission:

Genetic Foundation of Khorasan Razavi (GFKR)
Classification: Uncertain significance for Spastic paraplegia 84, autosomal recessive. Last evaluated: 2025-06-05. Review status: criteria provided, single submitter. Criteria: ACMG Guidelines, 2015. Collection method: clinical testing. Allele origin: inherited. Inheritance: Autosomal recessive inheritance. Affected: yes. Observed: 1 homozygote.
Comment: This missense variant occurs in a gene that has a low rate of benign missense variation, and missense changes are a common disease mechanism for this gene. Also the variant is absent from large population databases.

NM_058004.4(PI4KA):c.4747G>A (p.Val1583Ile)

Gene: PI4KA (phosphatidylinositol 4-kinase alpha; minus strand). Cytogenetic location: 22q11.21.
Variant type: single nucleotide variant.
Coding change: c.4747G>A on transcript NM_058004.4 (MANE Select); coding-DNA position 4747, G replaced by A.
Protein change: p.Val1583Ile; replaces valine 1583 with isoleucine.
Molecular consequence: missense variant.
Genome position (GRCh38, 1-based): chr22:20,727,800, C>T on the plus strand (G>A on the coding strand, the complement: PI4KA is on the minus strand). VCF-style: chr22-20727800-C-T. GRCh37 (hg19) VCF-style: chr22-21082088-C-T.
Other names: c.4654G>A, p.Val1552Ile (NM_001362862.2); c.4681G>A, p.Val1561Ile (NM_001362863.2); short protein forms V1552I, V1561I, V1583I.
Identifiers: ClinVar variation 4537460 (VCV004537460.1).